The following is an entry in ClinVar:

ClinVar aggregate classification (germline): Likely benign (1 of 4 stars; one submission).

Allele frequency attached by ClinVar (database versions not stated): gnomAD exomes below 0.00001; TOPMed 0.00001.
gnomAD v4.1: 4 of 1,613,728 alleles (0.00025%); highest among the groups gnomAD compares: Middle Eastern, 0.016%; no homozygotes.

Submission:

CeGaT Center for Human Genetics Tuebingen
Classification: Likely benign. Last evaluated: 2023-02-01. Review status: criteria provided, single submitter. Criteria: CeGaT Center For Human Genetics Tuebingen Variant Classification Criteria Version 2. Collection method: clinical testing. Allele origin: germline. Affected: yes. Observed: 1 variant allele.
Comment: COPA: BP4, BP7

NM_004371.4(COPA):c.921A>G (p.Ala307=)

Gene: COPA (coat protein complex I subunit alpha; minus strand). Cytogenetic location: 1q23.2.
Variant type: single nucleotide variant.
Coding change: c.921A>G on transcript NM_004371.4 (MANE Select); coding-DNA position 921, A replaced by G.
Protein change: p.Ala307=; no amino-acid change (alanine 307 retained).
Molecular consequence: synonymous variant.
Genome position (GRCh38, 1-based): chr1:160,313,089, T>C on the plus strand (A>G on the coding strand, the complement: COPA is on the minus strand). VCF-style: chr1-160313089-T-C. GRCh37 (hg19) VCF-style: chr1-160282879-T-C.
Other names: c.921A>G, p.Ala307= (NM_001098398.2).
Identifiers: ClinVar variation 2639500 (VCV002639500.24), dbSNP rs1424115979, ClinGen allele CA421354487.